The following is an entry in ClinVar:

ClinVar aggregate classification (germline): Uncertain significance (1 of 4 stars; one submission).

Conditions:
Hereditary breast ovarian cancer syndrome. Also called: Hereditary breast and ovarian cancer syndrome; Hereditary breast and ovarian cancer syndrome (HBOC); BRCA1- and BRCA2-Associated Hereditary Breast and Ovarian Cancer; Hereditary breast and ovarian cancer; Breast and ovarian cancer; Hereditary breast and/or ovarian cancer syndrome. Identifiers: Orphanet 145, MedGen C0677776, MeSH D061325, MONDO:0003582. Disease mechanism: loss of function.

Submission:

Labcorp Genetics (formerly Invitae), Labcorp
Classification: Uncertain significance for Hereditary breast ovarian cancer syndrome. Last evaluated: 2024-08-01. Review status: criteria provided, single submitter. Criteria: Invitae Variant Classification Sherloc (09022015). Collection method: clinical testing. Allele origin: germline.
Comment: This sequence change replaces serine, which is neutral and polar, with arginine, which is basic and polar, at codon 444 of the BRCA1 protein (p.Ser444Arg). This variant is not present in population databases (gnomAD no frequency). This variant has not been reported in the literature in individuals affected with BRCA1-related conditions. Advanced modeling of protein sequence and biophysical properties (such as structural, functional, and spatial information, amino acid conservation, physicochemical variation, residue mobility, and thermodynamic stability) performed at Invitae indicates that this missense variant is not expected to disrupt BRCA1 protein function with a negative predictive value of 95%. In summary, the available evidence is currently insufficient to determine the role of this variant in disease. Therefore, it has been classified as a Variant of Uncertain Significance.

NM_007294.4(BRCA1):c.1330A>C (p.Ser444Arg)

Gene: BRCA1 (BRCA1 DNA repair associated; minus strand). Cytogenetic location: 17q21.31.
Variant type: single nucleotide variant.
Coding change: c.1330A>C on transcript NM_007294.4 (MANE Select); coding-DNA position 1330, A replaced by C.
Protein change: p.Ser444Arg; replaces serine 444 with arginine.
Molecular consequence: missense variant. On other transcripts: intron variant (137).
Genome position (GRCh38, 1-based): chr17:43,094,201, T>G on the plus strand (A>C on the coding strand, the complement: BRCA1 is on the minus strand). VCF-style: chr17-43094201-T-G. GRCh37 (hg19) VCF-style: chr17-41246218-T-G.
Other names: c.997A>C, p.Ser333Arg (NM_001407947.1, NM_001407946.1, NM_001407948.1 and 6 more transcripts); c.1117A>C, p.Ser373Arg (NM_001407571.1, NM_001407853.1, NM_001407894.1 and 9 more transcripts); c.1330A>C, p.Ser444Arg (NM_001407581.1, NM_001407582.1, NM_001407583.1 and 30 more transcripts); c.1327A>C, p.Ser443Arg (NM_001407587.1, NM_001407590.1, NM_001407591.1 and 22 more transcripts); c.1321A>C, p.Ser441Arg (NM_001407646.1, NM_001407647.1); c.1207A>C, p.Ser403Arg (NM_001407648.1, NM_001407664.1, NM_001407665.1 and 19 more transcripts); c.1204A>C, p.Ser402Arg (NM_001407649.1, NM_001407670.1, NM_001407671.1 and 11 more transcripts); c.1252A>C, p.Ser418Arg (NM_001407653.1, NM_001407654.1, NM_001407655.1 and 4 more transcripts); and 40 more; short protein forms S148R, S397R, S402R, S417R, S443R, S276R, S316R, S356R.
Identifiers: ClinVar variation 3634694 (VCV003634694.2).
Genomic context (GRCh38, chr17:43,094,201, plus strand): 5'-TTTTCCCAAATATTTTGTCTTCAATATTACTCTCTACTGATTTGGAGTGAACTCTTTCAC[T>G]TTTACATATTAAAGCCTCATGAGGATCACTGGCCAGTAAGTCTATTTTCTCTGAAGAACC-3'
Protein context (NP_009225.1, residues 434-454): SDPHEALICK[Ser444Arg]ERVHSKSVES